The following is an entry in ClinVar:

ClinVar aggregate classification (germline): Conflicting classifications of pathogenicity. Review status: criteria provided, conflicting classifications (1 of 4 stars). 3 submissions from 3 submitters: Uncertain significance (1); Likely benign (2). Last evaluated 2025-11-05.

Conditions:
Congenital factor V deficiency. Also called: LABILE FACTOR DEFICIENCY; Hereditary factor V deficiency disease; OWREN PARAHEMOPHILIA; PARAHEMOPHILIA. Identifiers: Orphanet 326, MedGen C0015499, MONDO:0009210, OMIM 227400.
Inborn genetic diseases. Identifiers: MedGen C0950123, MeSH D030342.

Allele frequency attached by ClinVar (database versions not stated): ExAC 0.00001; gnomAD exomes 0.00002; gnomAD 0.00003; TOPMed 0.00005; ESP Exome Variant Server 0.00008.
gnomAD v4.1: 37 of 1,613,884 alleles (0.0023%); highest among the groups gnomAD compares: Middle Eastern, 0.017%; no homozygotes.

Submissions (3):

Labcorp Genetics (formerly Invitae), Labcorp
Classification: Uncertain significance for Congenital factor V deficiency. Last evaluated: 2025-11-05. Review status: criteria provided, single submitter. Criteria: Invitae Variant Classification Sherloc (09022015). Collection method: clinical testing. Allele origin: germline.
Comment: This sequence change replaces serine, which is neutral and polar, with arginine, which is basic and polar, at codon 1790 of the F5 protein (p.Ser1790Arg). This variant is present in population databases (rs373101677, gnomAD 0.006%). This variant has not been reported in the literature in individuals affected with F5-related conditions. ClinVar contains an entry for this variant (Variation ID: 3091474). Invitae Evidence Modeling of protein sequence and biophysical properties (such as structural, functional, and spatial information, amino acid conservation, physicochemical variation, residue mobility, and thermodynamic stability) indicates that this missense variant is not expected to disrupt F5 protein function with a negative predictive value of 80%. In summary, the available evidence is currently insufficient to determine the role of this variant in disease. Therefore, it has been classified as a Variant of Uncertain Significance.

Blueprint Genetics
Classification: Likely benign. Last evaluated: 2024-09-10. Review status: criteria provided, single submitter. Criteria: ACMG Guidelines, 2015. Collection method: clinical testing. Allele origin: germline.

Ambry Genetics
Classification: Likely benign for Inborn genetic diseases. Last evaluated: 2023-11-09. Review status: criteria provided, single submitter. Criteria: Ambry Variant Classification Scheme 2023. Collection method: clinical testing. Allele origin: germline.

NM_000130.5(F5):c.5370T>A (p.Ser1790Arg)

Gene: F5 (coagulation factor V; minus strand). Cytogenetic location: 1q24.2.
Variant type: single nucleotide variant.
Coding change: c.5370T>A on transcript NM_000130.5 (MANE Select); coding-DNA position 5370, T replaced by A.
Protein change: p.Ser1790Arg; replaces serine 1790 with arginine.
Molecular consequence: missense variant.
Genome position (GRCh38, 1-based): chr1:169,529,657, A>T on the plus strand (T>A on the coding strand, the complement: F5 is on the minus strand). VCF-style: chr1-169529657-A-T. GRCh37 (hg19) VCF-style: chr1-169498895-A-T.
Other names: short protein forms S1790R.
Identifiers: ClinVar variation 3091474 (VCV003091474.3), dbSNP rs373101677, ClinGen allele CA1233520.
Genomic context (GRCh38, chr1:169,529,657, plus strand): 5'-GAGGAAAATACCGTGAAACTCATGGGATTTTTTCATTTCTGAGGATGTGAGTCTCCAAGA[A>T]CTTCGGGACTTCTTTTCATAGTACCAGCTCTTCTTTTCATCAAAGGTCATAAATAGTAAG-3'
Protein context (NP_000121.2, residues 1780-1800): KSWYYEKKSR[Ser1790Arg]SWRLTSSEMK